The following is an entry in ClinVar:

ClinVar aggregate classification (germline): Uncertain significance (1 of 4 stars; one submission).

gnomAD v4.1: 9 of 1,522,242 alleles (0.00059%); highest among the groups gnomAD compares: Non-Finnish European, 0.00079%; no homozygotes.

Submission:

GeneDx
Classification: Uncertain significance. Last evaluated: 2025-05-08. Review status: criteria provided, single submitter. Criteria: GeneDx Variant Classification Process June 2021. Collection method: clinical testing. Allele origin: germline. Affected: yes.
Comment: In silico analysis suggests that this missense variant does not alter protein structure/function; Has not been previously published as pathogenic or benign to our knowledge

NM_005475.3(SH2B3):c.206A>G (p.Asp69Gly)

Gene: SH2B3 (SH2B adaptor protein 3; plus strand). Cytogenetic location: 12q24.12.
Variant type: single nucleotide variant.
Coding change: c.206A>G on transcript NM_005475.3 (MANE Select); coding-DNA position 206, A replaced by G.
Protein change: p.Asp69Gly; replaces aspartic acid 69 with glycine.
Molecular consequence: missense variant.
Genome position (GRCh38, 1-based): chr12:111,418,351, A>G. VCF-style: chr12-111418351-A-G. GRCh37 (hg19) VCF-style: chr12-111856155-A-G.
Other names: short protein forms D69G.
Identifiers: ClinVar variation 4527943 (VCV004527943.1).